The following is an entry in ClinVar:

NM_021831.6(AGBL5):c.664C>G (p.Pro222Ala)

Gene: AGBL5 (AGBL carboxypeptidase 5; plus strand). Cytogenetic location: 2p23.3.
Variant type: single nucleotide variant.
Coding change: c.664C>G on transcript NM_021831.6 (MANE Select); coding-DNA position 664, C replaced by G.
Protein change: p.Pro222Ala; replaces proline 222 with alanine.
Molecular consequence: missense variant. On other transcripts: non-coding transcript variant (2).
Genome position (GRCh38, 1-based): chr2:27,054,742, C>G. VCF-style: chr2-27054742-C-G. GRCh37 (hg19) VCF-style: chr2-27277610-C-G.
Other names: c.664C>G, p.Pro222Ala (NM_001035507.3); short protein forms P222A.
Identifiers: ClinVar variation 860320 (VCV000860320.7), dbSNP rs756275091, ClinGen allele CA1567696.
Genomic context (GRCh38, chr2:27,054,742, plus strand): 5'-GGACTTCGTGTAGATCTGCTGACGATCACTTCCTGCCATGGGCTTCGAGAAGATCGAGAG[C>G]CCCGTCTAGAGCAGCTATTTCCTGATACCAGCACCCCTCGACCATTCCGTTTCGCAGGCA-3'
Protein context (NP_068603.4, residues 212-232): SCHGLREDRE[Pro222Ala]RLEQLFPDTS

ClinVar aggregate classification (germline): Uncertain significance. Review status: criteria provided, multiple submitters, no conflicts (2 of 4 stars). 3 submissions from 3 submitters: Uncertain significance (3). Last evaluated 2025-01-22.

Conditions:
Inborn genetic diseases. Identifiers: MedGen C0950123, MeSH D030342.

Allele frequency attached by ClinVar (database versions not stated): ExAC 0.00002; gnomAD exomes 0.00003 and 0.00009; gnomAD 0.00009 and 0.00010; TOPMed 0.00012.
gnomAD v4.1: 70 of 1,613,840 alleles (0.0043%); highest among the groups gnomAD compares: Admixed American, 0.05%; no homozygotes.

Submissions (3):

Ambry Genetics
Classification: Uncertain significance for Inborn genetic diseases. Last evaluated: 2025-01-22. Review status: criteria provided, single submitter. Criteria: Ambry Variant Classification Scheme 2023. Collection method: clinical testing. Allele origin: germline.

Blueprint Genetics
Classification: Uncertain significance. Last evaluated: 2024-03-16. Review status: criteria provided, single submitter. Criteria: ACMG Guidelines, 2015. Collection method: clinical testing. Allele origin: germline.

Labcorp Genetics (formerly Invitae), Labcorp
Classification: Uncertain significance. Last evaluated: 2022-10-17. Review status: criteria provided, single submitter. Criteria: Invitae Variant Classification Sherloc (09022015). Collection method: clinical testing. Allele origin: germline.
Comment: This sequence change replaces proline, which is neutral and non-polar, with alanine, which is neutral and non-polar, at codon 222 of the AGBL5 protein (p.Pro222Ala). This variant is present in population databases (rs756275091, gnomAD 0.04%). This variant has not been reported in the literature in individuals affected with AGBL5-related conditions. ClinVar contains an entry for this variant (Variation ID: 860320). Algorithms developed to predict the effect of missense changes on protein structure and function are either unavailable or do not agree on the potential impact of this missense change (SIFT: "Deleterious"; PolyPhen-2: "Benign"; Align-GVGD: "Class C25"). In summary, the available evidence is currently insufficient to determine the role of this variant in disease. Therefore, it has been classified as a Variant of Uncertain Significance.